The following is an entry in ClinVar:

NM_003476.5(CSRP3):c.280C>T (p.Gln94Ter)

Gene: CSRP3 (cysteine and glycine rich protein 3; minus strand). Cytogenetic location: 11p15.1.
Variant type: single nucleotide variant.
Coding change: c.280C>T on transcript NM_003476.5 (MANE Select); coding-DNA position 280, C replaced by T.
Protein change: p.Gln94Ter; replaces glutamine 94 with a stop codon.
Molecular consequence: nonsense. On other transcripts: intron variant (1).
Genome position (GRCh38, 1-based): chr11:19,188,137, G>A on the plus strand (C>T on the coding strand, the complement: CSRP3 is on the minus strand). VCF-style: chr11-19188137-G-A. GRCh37 (hg19) VCF-style: chr11-19209684-G-A.
Other names: c.113-1789C>T (NM_001369404.1); short protein forms Q94*.
Identifiers: ClinVar variation 4911010 (VCV004911010.1).

ClinVar aggregate classification (germline): Conflicting classifications of pathogenicity. Review status: criteria provided, conflicting classifications (1 of 4 stars). 2 submissions from 2 submitters: Likely pathogenic (1); Uncertain significance (1). Last evaluated 2026-07-31.

Conditions:
Primary familial hypertrophic cardiomyopathy (HCM). Identifiers: Orphanet 99739, MedGen C0949658, MeSH D024741, MONDO:0024573. Inheritance: Various modes of inheritance.

Submissions (2):

Petrovsky National Research Centre of Surgery, The Federal Agency for Scientific Organizations
Classification: Likely pathogenic for Primary familial hypertrophic cardiomyopathy. Last evaluated: 2026-07-31. Review status: criteria provided, single submitter. Criteria: ACMG Guidelines, 2015. Collection method: research. Allele origin: unknown. Inheritance: Autosomal dominant inheritance. Affected: yes. Observed: 1 variant allele, 1 heterozygote.
Comment: This variant is in The Genome Aggregation Database (gnomAD) v4.1.0 with total AF=0.000001239 (Date of access 31-07-2026). NM_003476.5: c.280C>T (p.Gln94Ter) is a nonsense variant, predicted to undergo NMD (PVS1). In accordance with ACMG(2015) criteria this variant is classified as Likely Pathogenic (IV) with following criteria selected: PVS1, PM2.

Blueprint Genetics
Classification: Uncertain significance. Last evaluated: 2024-03-14. Review status: criteria provided, single submitter. Criteria: ACMG Guidelines, 2015. Collection method: clinical testing. Allele origin: germline.